The following is an entry in ClinVar:

ClinVar aggregate classification (germline): Uncertain significance (1 of 4 stars; one submission).

Submission:

Dasa
Classification: Uncertain significance. Last evaluated: 2025-10-07. Review status: criteria provided, single submitter. Criteria: DASA Assertion Criteria. Collection method: clinical testing. Allele origin: germline.
Comment: NM_001349798.2(FBXW7):c.986-4T>G is a splice-region variant. This variant is absent from population databases. Computational prediction algorithms are consistent with a benign effect. The currently available literature and clinical evidence are not sufficient to establish a definitive association between this variant and the reported condition. Therefore, this variant is classified as a variant of uncertain significance.

NM_001349798.2(FBXW7):c.986-4T>G

Gene: FBXW7 (F-box and WD repeat domain containing 7; minus strand). Cytogenetic location: 4q31.3.
Variant type: single nucleotide variant.
Coding change: c.986-4T>G on transcript NM_001349798.2 (MANE Select); 4 bases into the intron before coding-DNA position 986, T replaced by G.
Molecular consequence: intron variant.
Genome position (GRCh38, 1-based): chr4:152,330,872, A>C on the plus strand (T>G on the coding strand, the complement: FBXW7 is on the minus strand). VCF-style: chr4-152330872-A-C. GRCh37 (hg19) VCF-style: chr4-153252024-A-C.
Other names: c.632-4T>G (NM_001013415.2); c.746-4T>G (NM_018315.5); c.986-4T>G (NM_033632.3).
Identifiers: ClinVar variation 4886691 (VCV004886691.2).